The following is an entry in ClinVar:

ClinVar aggregate classification (germline): Uncertain significance (1 of 4 stars; one submission).

Submission:

GeneDx
Classification: Uncertain significance. Last evaluated: 2019-11-26. Review status: criteria provided, single submitter. Criteria: GeneDx Variant Classification Process June 2021. Collection method: clinical testing. Allele origin: germline. Affected: yes.
Comment: Not observed in large population cohorts (Lek et al., 2016); In silico analysis, which includes protein predictors and evolutionary conservation, supports a deleterious effect; In-silico analysis, which includes splice predictors, is inconclusive as to whether the variant alters gene splicing. In the absence of RNA/functional studies, the actual effect of this sequence change is unknown.; Has not been previously published as pathogenic or benign to our knowledge

NM_022455.5(NSD1):c.5890A>G (p.Lys1964Glu)

Gene: NSD1 (nuclear receptor binding SET domain protein 1; plus strand). Cytogenetic location: 5q35.3.
Variant type: single nucleotide variant.
Coding change: c.5890A>G on transcript NM_022455.5 (MANE Select); coding-DNA position 5890, A replaced by G.
Protein change: p.Lys1964Glu; replaces lysine 1964 with glutamic acid.
Molecular consequence: missense variant.
Genome position (GRCh38, 1-based): chr5:177,280,832, A>G. VCF-style: chr5-177280832-A-G. GRCh37 (hg19) VCF-style: chr5-176707833-A-G.
Other names: c.5017A>G, p.Lys1673Glu (NM_001365684.2, NM_001409308.1, NM_001409309.1 and 1 more transcripts); c.5890A>G, p.Lys1964Glu (NM_001409301.1, NM_001409302.1, NM_001409303.1); c.5470A>G, p.Lys1824Glu (NM_001409304.1); c.5137A>G, p.Lys1713Glu (NM_001409305.1); c.5128A>G, p.Lys1710Glu (NM_001409306.1, NM_001409307.1); short protein forms K1695E, K1964E, K1710E, K1824E, K1673E, K1713E.
Identifiers: ClinVar variation 1310705 (VCV001310705.2), dbSNP rs2127257672, ClinGen allele CA362313967.